The following is an entry in ClinVar:

NM_012062.5(DNM1L):c.505C>T (p.Leu169Phe)

Gene: DNM1L (dynamin 1 like; plus strand). Cytogenetic location: 12p11.21.
Variant type: single nucleotide variant.
Coding change: c.505C>T on transcript NM_012062.5 (MANE Select); coding-DNA position 505, C replaced by T.
Protein change: p.Leu169Phe; replaces leucine 169 with phenylalanine.
Molecular consequence: missense variant. On other transcripts: intron variant (1).
Genome position (GRCh38, 1-based): chr12:32,713,257, C>T. VCF-style: chr12-32713257-C-T. GRCh37 (hg19) VCF-style: chr12-32866191-C-T.
Other names: c.505C>T, p.Leu169Phe (NM_001278463.2, NM_005690.5, NM_012063.4); c.544C>T, p.Leu182Phe (NM_001278464.2, NM_001278465.2, NM_001330380.2); c.131+5844C>T (NM_001278466.2); short protein forms L169F, L182F.
Identifiers: ClinVar variation 1031737 (VCV001031737.1), dbSNP rs1953210856, ClinGen allele CA384367396.

ClinVar aggregate classification (germline): Uncertain significance (1 of 4 stars; one submission).

Conditions:
Encephalopathy, lethal, due to defective mitochondrial peroxisomal fission 1. Identifiers: Orphanet 330050, MedGen C3280660, MONDO:0013726, OMIM 614388.

Submission:

Baylor Genetics
Classification: Uncertain significance for Encephalopathy, lethal, due to defective mitochondrial peroxisomal fission 1. Last evaluated: 2018-01-24. Review status: criteria provided, single submitter. Criteria: ACMG Guidelines, 2015. Collection method: clinical testing. Allele origin: maternal. Affected: yes.
Comment: This variant was determined to be of uncertain significance according to ACMG Guidelines, 2015 [PMID:25741868].